The following is an entry in ClinVar:

NM_002693.3(POLG):c.3151G>A (p.Gly1051Arg)

Gene: POLG (DNA polymerase gamma, catalytic subunit; minus strand). Cytogenetic location: 15q26.1.
Variant type: single nucleotide variant.
Coding change: c.3151G>A on transcript NM_002693.3 (MANE Select); coding-DNA position 3151, G replaced by A.
Protein change: p.Gly1051Arg; replaces glycine 1051 with arginine.
Molecular consequence: missense variant.
Genome position (GRCh38, 1-based): chr15:89,319,053, C>T on the plus strand (G>A on the coding strand, the complement: POLG is on the minus strand). VCF-style: chr15-89319053-C-T. GRCh37 (hg19) VCF-style: chr15-89862284-C-T.
Other names: c.3151G>A, p.Gly1051Arg (NM_001126131.2); short protein forms G1051R.
Identifiers: ClinVar variation 566044 (VCV000566044.19), dbSNP rs121918049, ClinGen allele CA7724222.

ClinVar aggregate classification (germline): Pathogenic/Likely pathogenic. Review status: criteria provided, multiple submitters, no conflicts (2 of 4 stars). 8 submissions from 8 submitters: Pathogenic (3); Likely pathogenic (5). Last evaluated 2025-08-17.

Conditions:
Inborn genetic diseases. Identifiers: MedGen C0950123, MeSH D030342.
Progressive sclerosing poliodystrophy (MTDPS4A). Also called: Mitochondrial DNA depletion syndrome 4A (Alpers type); Mitochondrial DNA Depletion Syndrome 4A; Alpers Syndrome; ALPERS DIFFUSE DEGENERATION OF CEREBRAL GRAY MATTER WITH HEPATIC CIRRHOSIS; Alpers-Huttenlocher Syndrome; ALPERS PROGRESSIVE INFANTILE POLIODYSTROPHY. Identifiers: Orphanet 726, MedGen C0205710, MONDO:0008758, OMIM 203700.
Mitochondrial DNA depletion syndrome 4b. Also called: MNGIE, POLG-RELATED; Mitochondrial Neurogastrointestinal Encephalopathy Disease, POLG-Related. Identifiers: Orphanet 298, MedGen C3150914, MONDO:0013350, OMIM 613662.
Sensory ataxic neuropathy, dysarthria, and ophthalmoparesis (SANDO). Also called: SENSORY ATAXIC NEUROPATHY WITH MITOCHONDRIAL DNA DELETIONS, AUTOSOMAL RECESSIVE; Sensory ataxic neuropathy-dysarthria-ophthalmoparesis syndrome; Epilepsy, progressive myoclonic, type 5; Ataxia Neuropathy Spectrum (ANS). Identifiers: Orphanet 70595, MedGen C1843851, MONDO:0011835, OMIM 607459.
Progressive external ophthalmoplegia with mitochondrial DNA deletions, autosomal dominant 1 (PEOA1). Also called: PROGRESSIVE EXTERNAL OPHTHALMOPLEGIA, AUTOSOMAL DOMINANT 1; Autosomal Dominant Progressive External Ophthalmoplegia (adPEO). Identifiers: MedGen C1834846, MONDO:0024528, OMIM 157640.
Progressive external ophthalmoplegia with mitochondrial DNA deletions, autosomal recessive 1 (PEOB1). Also called: Progressive external ophthalmoplegia, autosomal recessive 1; Autosomal Recessive Progressive External Ophthalmoplegia (arPEO). Identifiers: Orphanet 254886, MedGen C4225153, MONDO:0009783, OMIM 258450.

Allele frequency attached by ClinVar (database versions not stated): gnomAD 0.00003.

Submissions (8):

Labcorp Genetics (formerly Invitae), Labcorp
Classification: Pathogenic for Progressive sclerosing poliodystrophy. Last evaluated: 2025-08-17. Review status: criteria provided, single submitter. Criteria: Invitae Variant Classification Sherloc (09022015). Collection method: clinical testing. Allele origin: germline.
Comment: This sequence change replaces glycine, which is neutral and non-polar, with arginine, which is basic and polar, at codon 1051 of the POLG protein (p.Gly1051Arg). This variant is present in population databases (rs121918049, gnomAD 0.0008%). This missense change has been observed in individual(s) with autosomal recessive POLG-related conditions (PMID: 14745080, 28130605, 30818899). In at least one individual the data is consistent with being in trans (on the opposite chromosome) from a pathogenic variant. It has also been observed to segregate with disease in related individuals. ClinVar contains an entry for this variant (Variation ID: 566044). Invitae Evidence Modeling of protein sequence and biophysical properties (such as structural, functional, and spatial information, amino acid conservation, physicochemical variation, residue mobility, and thermodynamic stability) indicates that this missense variant is expected to disrupt POLG protein function with a positive predictive value of 95%. Experimental studies have shown that this missense change affects POLG function (PMID: 17980715, 20185557). For these reasons, this variant has been classified as Pathogenic.

Revvity Omics, Revvity
Classification: Likely pathogenic. Last evaluated: 2025-06-06. Review status: criteria provided, single submitter. Criteria: ACMG Guidelines, 2015. Collection method: clinical testing. Allele origin: germline.

GeneDx
Classification: Pathogenic. Last evaluated: 2025-04-25. Review status: criteria provided, single submitter. Criteria: GeneDx Variant Classification Process June 2021. Collection method: clinical testing. Allele origin: germline. Affected: yes.
Comment: Published functional studies demonstrate a damaging effect, indicating that the G1051R variant results in increased mitochondrial DNA (mtDNA) instability and causes mtDNA defects (PMID: 17980715); Not observed at significant frequency in large population cohorts (gnomAD); In silico analysis supports that this missense variant has a deleterious effect on protein structure/function; This variant is associated with the following publications: (PMID: 24508722, 34426522, 30818899, 31665838, 17190525, 19010300, 19887119, 21824913, 20883824, 20946356, 20185557, 17980715, 34690748, 32613234, 31209396, 36343308)

Ambry Genetics
Classification: Likely pathogenic for Inborn genetic diseases. Last evaluated: 2024-08-29. Review status: criteria provided, single submitter. Criteria: Ambry Variant Classification Scheme 2023. Collection method: clinical testing. Allele origin: germline.
Comment: The c.3151G>A (p.G1051R) alteration is located in exon 20 (coding exon 19) of the POLG gene. This alteration results from a G to A substitution at nucleotide position 3151, causing the glycine (G) at amino acid position 1051 to be replaced by an arginine (R). Based on the available evidence, this variant is classified as likely pathogenic for autosomal recessive POLG-related mitochondrial disorders; however, the clinical significance for autosomal dominant POLG-related progressive external ophthalmoplegia is unclear. Based on data from gnomAD, the A allele has an overall frequency of 0.001% (2/282698) total alleles studied. This variant has been confirmed in trans with a second POLG variant in a patient with Alpers syndrome (Li, 2021). It has also been observed in the homozygous state in an individual from a large autism cohort; however, no details were provided regarding whether the patient had clinical symptoms of a POLG-related disorder (Doan, 2019). A different nucleotide substitution resulting in the same missense change, c.3151G>C (p.G1051R), has been previously reported in the compound heterozygous state with other POLG variants in multiple individuals with autosomal recessive POLG-related disorders (Mancuso, 2004; Formichi, 2016; Da Pozzo, 2017). This amino acid position is well conserved in available vertebrate species. Based on internal structural analysis, G1051R is highly destabilizing to the local structure (Ambry internal data). Functional studies using yeast models have shown that G1051R causes increased mtDNA instability and mutant frequency, indicative of defects in the mtDNA genome (Baruffini, 2007; Baruffini, 2010; Stumpf, 2010). This alteration is predicted to be deleterious by in silico analysis. Based on the available evidence, this alteration is classified as likely pathogenic.

Fulgent Genetics
Classification: Likely pathogenic for Progressive external ophthalmoplegia with mitochondrial DNA deletions, autosomal dominant 1; Progressive sclerosing poliodystrophy; Progressive external ophthalmoplegia with mitochondrial DNA deletions, autosomal recessive 1; Sensory ataxic neuropathy, dysarthria, and ophthalmoparesis; Mitochondrial DNA depletion syndrome 4b. Last evaluated: 2024-05-08. Review status: criteria provided, single submitter. Criteria: ACMG Guidelines, 2015. Collection method: clinical testing. Allele origin: germline.

Baylor Genetics
Classification: Pathogenic for Progressive sclerosing poliodystrophy. Last evaluated: 2023-11-11. Review status: criteria provided, single submitter. Criteria: ACMG Guidelines, 2015. Collection method: clinical testing. Allele origin: unknown.

Kariminejad - Najmabadi Pathology & Genetics Center
Classification: Likely pathogenic for Progressive sclerosing poliodystrophy; Mitochondrial DNA depletion syndrome 4b; Sensory ataxic neuropathy, dysarthria, and ophthalmoparesis. Last evaluated: 2023-03-16. Review status: criteria provided, single submitter. Criteria: ACMG Guidelines, 2015. Collection method: clinical testing. Allele origin: germline. Inheritance: Autosomal dominant inheritance. Affected: yes.
Comment: PS1,PM2,PP3,PP5,PP2,PM5

Wong Mito Lab, Molecular and Human Genetics, Baylor College of Medicine
Classification: Likely pathogenic for Progressive sclerosing poliodystrophy. Last evaluated: 2018-10-01. Review status: criteria provided, single submitter. Criteria: ACMG Guidelines, 2015. Collection method: clinical testing. Allele origin: germline.
Comment: The NM_002693.2:c.3151G>A (NP_002684.1:p.Gly1051Arg) [GRCH38: NC_000015.10:g.89319053C>T] variant in POLG gene is interpretated to be a Likely Pathogenic based on ACMG guidelines (PMID: 25741868). This variant has been reported in PMID:14745080 . This variant meets the following evidence codes reported in the ACMG-guideline. PM2:This variant is absent in key population databases. PM3:Detected in trans with a pathogenic variant for Mitochondrial DNA depletion syndrome 4A (Alpers type) which is a recessive disorder. PP1:This variant is co-segregated with Mitochondrial DNA depletion syndrome 4A (Alpers type) in multiple affected family members. PP2:This is a missense variant in POLG with a low rate of benign and high rate of pathogenic missense variations. PP4:Patient's phenotype or family history is highly specific for POLG. Based on the evidence criteria codes applied, the variant is suggested to be Likely Pathogenic.

Literature cited by the submitters: PubMed 14745080 (cited by 3 submitters); PubMed 28130605 (cited by Labcorp Genetics (formerly Invitae), Labcorp and Ambry Genetics); PubMed 30818899 (cited by Labcorp Genetics (formerly Invitae), Labcorp); PubMed 17980715 (cited by Labcorp Genetics (formerly Invitae), Labcorp and Ambry Genetics); PubMed 20185557 (cited by Labcorp Genetics (formerly Invitae), Labcorp and Ambry Genetics); PubMed 19887119 (cited by Ambry Genetics); PubMed 27538665 (cited by Ambry Genetics); PubMed 31209396 (cited by Ambry Genetics); PubMed 34690748 (cited by Ambry Genetics).